The following is an entry in ClinVar:

NM_182760.4(SUMF1):c.*396C>G

Gene: SUMF1 (sulfatase modifying factor 1; minus strand). Cytogenetic location: 3p26.1.
Variant type: single nucleotide variant.
Coding change: c.*396C>G on transcript NM_182760.4 (MANE Select); 396 bases downstream of the stop codon, C replaced by G.
Molecular consequence: 3 prime UTR variant.
Genome position (GRCh38, 1-based): chr3:4,361,748, G>C on the plus strand (C>G on the coding strand, the complement: SUMF1 is on the minus strand). VCF-style: chr3-4361748-G-C. GRCh37 (hg19) VCF-style: chr3-4403432-G-C.
Other names: c.*396C>G (NM_001164674.2, NM_001164675.2).
Identifiers: ClinVar variation 902138 (VCV000902138.4), dbSNP rs113056454, ClinGen allele CA11348217.
Genomic context (GRCh38, chr3:4,361,748, plus strand): 5'-TGAAGTCACAATAGAATCTGATACCCTTTTTAGAACTGGTGAGTTGGAGAGACACCCAGA[G>C]GTCATGCTGTCCATCCCTTCATTTGATAGGGGAGGGCACTTGAGGCCCAGGAAGGTCAAG-3'

ClinVar aggregate classification (germline): Likely benign (1 of 4 stars; one submission).

Conditions:
Multiple sulfatase deficiency (MSD). Also called: Mucosulfatidosis; Multiple Sulfatase Deficiency Disease; Sulfatidosis, Juvenile, Austin Type. Identifiers: Orphanet 585, MedGen C0268263, MONDO:0010088, OMIM 272200.

Allele frequency attached by ClinVar (database versions not stated): 1000 Genomes Project 0.00180; 1000 Genomes Project 30x 0.00187; TOPMed 0.00378; gnomAD exomes 0.00434; gnomAD 0.00459 and 0.00498.
gnomAD v4.1: 1,142 of 252,514 alleles (0.45%); highest among the groups gnomAD compares: Non-Finnish European, 0.66%; 3 homozygotes.

Submission:

Illumina Laboratory Services, Illumina
Classification: Likely benign for Multiple sulfatase deficiency. Last evaluated: 2018-01-12. Review status: criteria provided, single submitter. Criteria: ICSL Variant Classification Criteria 13 December 2019. Collection method: clinical testing. Allele origin: germline.
Comment: This variant was observed in the ICSL laboratory as part of a predisposition screen in an ostensibly healthy population. It had not been previously curated by ICSL or reported in the Human Gene Mutation Database (HGMD: prior to June 1st, 2018), and was therefore a candidate for classification through an automated scoring system. Utilizing variant allele frequency, disease prevalence and penetrance estimates, and inheritance mode, an automated score was calculated to assess if this variant is too frequent to cause the disease. Based on the score and internal cut-off values, a variant classified as likely benign is not then subjected to further curation. The score for this variant resulted in a classification of likely benign for this disease.